The following is an entry in ClinVar:

NM_000070.3(CAPN3):c.2033A>G (p.Asn678Ser)

Gene: CAPN3 (calpain 3; plus strand). Cytogenetic location: 15q15.1.
Variant type: single nucleotide variant.
Coding change: c.2033A>G on transcript NM_000070.3 (MANE Select); coding-DNA position 2033, A replaced by G.
Protein change: p.Asn678Ser; replaces asparagine 678 with serine.
Molecular consequence: missense variant.
Genome position (GRCh38, 1-based): chr15:42,409,827, A>G. VCF-style: chr15-42409827-A-G. GRCh37 (hg19) VCF-style: chr15-42702025-A-G.
Other names: c.2015A>G, p.Asn672Ser (NM_024344.2); c.1757A>G, p.Asn586Ser (NM_173087.2); c.497A>G, p.Asn166Ser (NM_173088.2); c.38A>G, p.Asn13Ser (NM_173089.2, NM_173090.2); c.*1131A>G (NM_212464.2); c.*1708A>G (NM_212467.2); short protein forms N13S, N166S, N586S, N672S, N678S.
Identifiers: ClinVar variation 2866729 (VCV002866729.3), dbSNP rs767593985, ClinGen allele CA392001409.

ClinVar aggregate classification (germline): Uncertain significance (1 of 4 stars; one submission).

Conditions:
Autosomal recessive limb-girdle muscular dystrophy type 2A (LGMDR1). Also called: LEYDEN-MOEBIUS MUSCULAR DYSTROPHY; MUSCULAR DYSTROPHY, PELVOFEMORAL; Muscular dystrophy, limb-girdle, type 2A, Amish; Limb-girdle muscular dystrophy, type 2A; Calpainopathy. Identifiers: Orphanet 267, MedGen C1869123, MONDO:0009675, OMIM 253600. Disease mechanism: loss of function.

gnomAD v4.1: 1 of 1,508,578 alleles (0.000066%); no homozygotes.

Submission:

Labcorp Genetics (formerly Invitae), Labcorp
Classification: Uncertain significance for Autosomal recessive limb-girdle muscular dystrophy type 2A. Last evaluated: 2023-05-22. Review status: criteria provided, single submitter. Criteria: Invitae Variant Classification Sherloc (09022015). Collection method: clinical testing. Allele origin: germline.
Comment: In summary, the available evidence is currently insufficient to determine the role of this variant in disease. Therefore, it has been classified as a Variant of Uncertain Significance. Advanced modeling of protein sequence and biophysical properties (such as structural, functional, and spatial information, amino acid conservation, physicochemical variation, residue mobility, and thermodynamic stability) performed at Invitae indicates that this missense variant is not expected to disrupt CAPN3 protein function. This variant has not been reported in the literature in individuals affected with CAPN3-related conditions. This variant is not present in population databases (gnomAD no frequency). This sequence change replaces asparagine, which is neutral and polar, with serine, which is neutral and polar, at codon 678 of the CAPN3 protein (p.Asn678Ser).